The following is an entry in ClinVar:

ClinVar aggregate classification (germline): Uncertain significance. Review status: criteria provided, multiple submitters, no conflicts (2 of 4 stars). 2 submissions from 2 submitters: Uncertain significance (2). Last evaluated 2023-11-11.

Conditions:
Dilated cardiomyopathy 1AA (CMD1AA). Also called: CARDIOMYOPATHY, DILATED, 1AA, WITH OR WITHOUT LEFT VENTRICULAR NONCOMPACTION; CARDIOMYOPATHY, FAMILIAL HYPERTROPHIC, 23, WITH OR WITHOUT LEFT VENTRICULAR NONCOMPACTION; Cardiomyopathy, dilated, 1AA, with or without LVNC. Identifiers: Orphanet 154, MedGen C2677338, MONDO:0012808, OMIM 612158.
Primary familial hypertrophic cardiomyopathy (HCM). Identifiers: Orphanet 99739, MedGen C0949658, MeSH D024741, MONDO:0024573. Inheritance: Various modes of inheritance.

Submissions (2):

Labcorp Genetics (formerly Invitae), Labcorp
Classification: Uncertain significance for Primary familial hypertrophic cardiomyopathy; Dilated cardiomyopathy 1AA. Last evaluated: 2023-11-11. Review status: criteria provided, single submitter. Criteria: Invitae Variant Classification Sherloc (09022015). Collection method: clinical testing. Allele origin: germline.
Comment: This sequence change creates a premature translational stop signal (p.Trp36*) in the ACTN2 gene. It is expected to result in an absent or disrupted protein product. However, the current clinical and genetic evidence is not sufficient to establish whether loss-of-function variants in ACTN2 cause disease. This variant is not present in population databases (gnomAD no frequency). This variant has not been reported in the literature in individuals affected with ACTN2-related conditions. ClinVar contains an entry for this variant (Variation ID: 1163695). In summary, the available evidence is currently insufficient to determine the role of this variant in disease. Therefore, it has been classified as a Variant of Uncertain Significance.

Mayo Clinic Laboratories, Mayo Clinic
Classification: Uncertain significance. Last evaluated: 2020-03-26. Review status: criteria provided, single submitter. Criteria: ACMG Guidelines, 2015. Collection method: clinical testing. Allele origin: germline. Observed: 1 variant allele.

NM_001103.4(ACTN2):c.107G>A (p.Trp36Ter)

Gene: ACTN2 (actinin alpha 2; plus strand). Cytogenetic location: 1q43.
Variant type: single nucleotide variant.
Coding change: c.107G>A on transcript NM_001103.4 (MANE Select); coding-DNA position 107, G replaced by A.
Protein change: p.Trp36Ter; replaces tryptophan 36 with a stop codon.
Molecular consequence: nonsense. On other transcripts: 5 prime UTR variant (1).
Genome position (GRCh38, 1-based): chr1:236,686,780, G>A. VCF-style: chr1-236686780-G-A. GRCh37 (hg19) VCF-style: chr1-236850080-G-A.
Other names: c.107G>A, p.Trp36Ter (NM_001278343.2); c.-715G>A (NM_001278344.2); short protein forms W36*.
Identifiers: ClinVar variation 1163695 (VCV001163695.8), dbSNP rs2102851395, ClinGen allele CA345358429.